The following is an entry in ClinVar:

ClinVar aggregate classification (germline): Uncertain significance (1 of 4 stars; one submission).

Submission:

Women's Health and Genetics/Laboratory Corporation of America, LabCorp
Classification: Uncertain significance. Last evaluated: 2024-07-12. Review status: criteria provided, single submitter. Criteria: LabCorp Variant Classification Summary - May 2015. Collection method: clinical testing. Allele origin: germline.
Comment: Variant summary: RYR2 c.4849T>C (p.Trp1617Arg) results in a non-conservative amino acid change in the encoded protein sequence. Five of five in-silico tools predict a damaging effect of the variant on protein function. The variant was absent in 248462 control chromosomes. The available data on variant occurrences in the general population are insufficient to allow any conclusion about variant significance. To our knowledge, no occurrence of c.4849T>C in individuals affected with Catecholaminergic Polymorphic Ventricular Tachycardia and no experimental evidence demonstrating its impact on protein function have been reported. No submitters have cited clinical-significance assessments for this variant to ClinVar. Based on the evidence outlined above, the variant was classified as uncertain significance.

NM_001035.3(RYR2):c.4849T>C (p.Trp1617Arg)

Gene: RYR2 (ryanodine receptor 2; plus strand). Cytogenetic location: 1q43.
Variant type: single nucleotide variant.
Coding change: c.4849T>C on transcript NM_001035.3 (MANE Select); coding-DNA position 4849, T replaced by C.
Protein change: p.Trp1617Arg; replaces tryptophan 1617 with arginine.
Molecular consequence: missense variant.
Genome position (GRCh38, 1-based): chr1:237,610,927, T>C. VCF-style: chr1-237610927-T-C. GRCh37 (hg19) VCF-style: chr1-237774227-T-C.
Other names: short protein forms W1617R.
Identifiers: ClinVar variation 3338927 (VCV003338927.1).